The following is an entry in ClinVar:

ClinVar aggregate classification (germline): Uncertain significance (1 of 4 stars; one submission).

gnomAD v4.1: 1 of 1,581,706 alleles (0.000063%); highest among the groups gnomAD compares: Admixed American, 0.0018%; no homozygotes.

Submission:

Labcorp Genetics (formerly Invitae), Labcorp
Classification: Uncertain significance. Last evaluated: 2025-07-23. Review status: criteria provided, single submitter. Criteria: Invitae Variant Classification Sherloc (09022015). Collection method: clinical testing. Allele origin: germline.
Comment: This sequence change replaces valine, which is neutral and non-polar, with leucine, which is neutral and non-polar, at codon 1077 of the CACNA1E protein (p.Val1077Leu). This variant is not present in population databases (gnomAD no frequency). This variant has not been reported in the literature in individuals affected with CACNA1E-related conditions. Invitae Evidence Modeling of protein sequence and biophysical properties (such as structural, functional, and spatial information, amino acid conservation, physicochemical variation, residue mobility, and thermodynamic stability) has been performed for this missense variant. However, the output from this modeling did not meet the statistical confidence thresholds required to predict the impact of this variant on CACNA1E protein function. In summary, the available evidence is currently insufficient to determine the role of this variant in disease. Therefore, it has been classified as a Variant of Uncertain Significance.

NM_001205293.3(CACNA1E):c.3229G>T (p.Val1077Leu)

Gene: CACNA1E (calcium voltage-gated channel subunit alpha1 E; plus strand). Cytogenetic location: 1q25.3.
Variant type: single nucleotide variant.
Coding change: c.3229G>T on transcript NM_001205293.3 (MANE Select); coding-DNA position 3229, G replaced by T.
Protein change: p.Val1077Leu; replaces valine 1077 with leucine.
Molecular consequence: missense variant.
Genome position (GRCh38, 1-based): chr1:181,733,717, G>T. VCF-style: chr1-181733717-G-T. GRCh37 (hg19) VCF-style: chr1-181702853-G-T.
Other names: c.3229G>T, p.Val1077Leu (NM_000721.4); c.3172G>T, p.Val1058Leu (NM_001205294.2); short protein forms V1058L, V1077L.
Identifiers: ClinVar variation 4766310 (VCV004766310.1).